The following is an entry in ClinVar:

ClinVar aggregate classification (germline): Conflicting classifications of pathogenicity. Review status: criteria provided, conflicting classifications (1 of 4 stars). 3 submissions from 3 submitters: Uncertain significance (1); Likely benign (1). 1 of the submissions does not count toward it. Last evaluated 2025-04-28.

Conditions:
HDAC4-related disorder. Also called: HDAC4-related condition.

Allele frequency attached by ClinVar (database versions not stated): 1000 Genomes Project 30x 0.00016; 1000 Genomes Project 0.00020; ExAC 0.00022; gnomAD 0.00058; TOPMed 0.00073; ESP Exome Variant Server 0.00092.
gnomAD v4.1: 198 of 1,611,520 alleles (0.012%); highest among the groups gnomAD compares: African/African-American, 0.23%; no homozygotes.

Submissions (3):

Labcorp Genetics (formerly Invitae), Labcorp
Classification: Likely benign. Last evaluated: 2025-04-28. Review status: criteria provided, single submitter. Criteria: Invitae Variant Classification Sherloc (09022015). Collection method: clinical testing. Allele origin: germline.

GeneDx
Classification: Uncertain significance. Last evaluated: 2023-08-10. Review status: criteria provided, single submitter. Criteria: GeneDx Variant Classification Process June 2021. Collection method: clinical testing. Allele origin: germline. Affected: yes.
Comment: In silico analysis supports that this missense variant has a deleterious effect on protein structure/function; Has not been previously published as pathogenic or benign to our knowledge

PreventionGenetics, part of Exact Sciences
Classification: Likely benign for HDAC4-related condition. Last evaluated: 2024-05-29. Review status: no assertion criteria provided. Collection method: clinical testing. Allele origin: germline. Not counted in ClinVar's aggregate classification.
Comment: This variant is classified as likely benign based on ACMG/AMP sequence variant interpretation guidelines (Richards et al. 2015 PMID: 25741868, with internal and published modifications).

NM_001378414.1(HDAC4):c.1282C>A (p.Pro428Thr)

Gene: HDAC4 (histone deacetylase 4; minus strand). Cytogenetic location: 2q37.3.
Variant type: single nucleotide variant.
Coding change: c.1282C>A on transcript NM_001378414.1 (MANE Select); coding-DNA position 1282, C replaced by A.
Protein change: p.Pro428Thr; replaces proline 428 with threonine.
Molecular consequence: missense variant.
Genome position (GRCh38, 1-based): chr2:239,134,257, G>T on the plus strand (C>A on the coding strand, the complement: HDAC4 is on the minus strand). VCF-style: chr2-239134257-G-T. GRCh37 (hg19) VCF-style: chr2-240055953-G-T.
Other names: c.1282C>A, p.Pro428Thr (NM_001378415.1, NM_001378416.1, NM_001378417.1 and 1 more transcripts); short protein forms P428T.
Identifiers: ClinVar variation 3052856 (VCV003052856.4), dbSNP rs144022590, ClinGen allele CA2199861.